The following is an entry in ClinVar:

NM_144596.4(TTC8):c.361G>A (p.Gly121Ser)

Gene: TTC8 (tetratricopeptide repeat domain 8; plus strand). Cytogenetic location: 14q31.3.
Variant type: single nucleotide variant.
Coding change: c.361G>A on transcript NM_144596.4 (MANE Select); coding-DNA position 361, G replaced by A.
Protein change: p.Gly121Ser; replaces glycine 121 with serine.
Molecular consequence: missense variant. On other transcripts: 5 prime UTR variant (2), non-coding transcript variant (1).
Genome position (GRCh38, 1-based): chr14:88,841,068, G>A. VCF-style: chr14-88841068-G-A. GRCh37 (hg19) VCF-style: chr14-89307412-G-A.
Other names: c.331G>A, p.Gly111Ser (NM_001288781.1, NM_001366535.2, NM_001366536.2 and 2 more transcripts); c.-232G>A (NM_001288782.1); c.-327G>A (NM_001288783.1); c.361G>A (NM_144596.3); short protein forms G111S, G121S.
Identifiers: ClinVar variation 646056 (VCV000646056.9), dbSNP rs771327965, ClinGen allele CA7302452.

ClinVar aggregate classification (germline): Uncertain significance. Review status: criteria provided, multiple submitters, no conflicts (2 of 4 stars). 2 submissions from 2 submitters: Uncertain significance (2). Last evaluated 2025-04-16.

Conditions:
TTC8-related disorder. Also called: TTC8-related condition.
Bardet-Biedl syndrome (BBS). Identifiers: Orphanet 110, MedGen C0752166, MONDO:0015229.

Allele frequency attached by ClinVar (database versions not stated): gnomAD exomes 0.00001; ExAC 0.00003.
gnomAD v4.1: 10 of 1,614,054 alleles (0.00062%); highest among the groups gnomAD compares: Non-Finnish European, 0.00085%; no homozygotes.

Submissions (2):

PreventionGenetics, part of Exact Sciences
Classification: Uncertain significance for TTC8-related condition. Last evaluated: 2025-04-16. Review status: criteria provided, single submitter. Criteria: ACMG Guidelines, 2015. Collection method: clinical testing. Allele origin: germline.
Comment: The TTC8 c.361G>A variant is predicted to result in the amino acid substitution p.Gly121Ser. To our knowledge, this variant has not been reported in the literature. This variant is reported in 0.0026% of alleles in individuals of European (Non-Finnish) descent in gnomAD. At this time, the clinical significance of this variant is uncertain due to the absence of conclusive functional and genetic evidence.

Labcorp Genetics (formerly Invitae), Labcorp
Classification: Uncertain significance for Bardet-Biedl syndrome. Last evaluated: 2022-08-15. Review status: criteria provided, single submitter. Criteria: Invitae Variant Classification Sherloc (09022015). Collection method: clinical testing. Allele origin: germline.
Comment: This sequence change replaces glycine, which is neutral and non-polar, with serine, which is neutral and polar, at codon 111 of the TTC8 protein (p.Gly111Ser). This variant is present in population databases (rs771327965, gnomAD 0.004%). This variant has not been reported in the literature in individuals affected with TTC8-related conditions. ClinVar contains an entry for this variant (Variation ID: 646056). Algorithms developed to predict the effect of missense changes on protein structure and function are either unavailable or do not agree on the potential impact of this missense change (SIFT: "Tolerated"; PolyPhen-2: "Probably Damaging"; Align-GVGD: "Class C0"). In summary, the available evidence is currently insufficient to determine the role of this variant in disease. Therefore, it has been classified as a Variant of Uncertain Significance.